The following is an entry in ClinVar:

NM_002439.5(MSH3):c.2227C>T (p.Gln743Ter)

Gene: MSH3 (mutS homolog 3; plus strand). Cytogenetic location: 5q14.1.
Variant type: single nucleotide variant.
Coding change: c.2227C>T on transcript NM_002439.5 (MANE Select); coding-DNA position 2227, C replaced by T.
Protein change: p.Gln743Ter; replaces glutamine 743 with a stop codon.
Molecular consequence: nonsense.
Genome position (GRCh38, 1-based): chr5:80,768,977, C>T. VCF-style: chr5-80768977-C-T. GRCh37 (hg19) VCF-style: chr5-80064796-C-T.
Other names: short protein forms Q743*.
Identifiers: ClinVar variation 1408605 (VCV001408605.9), dbSNP rs1350652736, ClinGen allele CA360279722.

ClinVar aggregate classification (germline): Pathogenic. Review status: criteria provided, multiple submitters, no conflicts (2 of 4 stars). 3 submissions from 3 submitters: Pathogenic (3). Last evaluated 2025-02-09.

Conditions:
Hereditary cancer-predisposing syndrome. Also called: Hereditary Cancer Syndrome; Tumor predisposition; Hereditary neoplastic syndrome; Neoplastic Syndromes, Hereditary. Identifiers: Orphanet 140162, MedGen C0027672, MeSH D009386, MONDO:0015356.
Familial adenomatous polyposis 4 (FAP4). Also called: MSH3-related attenuated familial adenomatous polyposis. Identifiers: Orphanet 480536, MedGen C4310719, MONDO:0044300, OMIM 617100.

Allele frequency attached by ClinVar (database versions not stated): gnomAD exomes below 0.00001.
gnomAD v4.1: 3 of 1,612,822 alleles (0.00019%); highest among the groups gnomAD compares: Non-Finnish European, 0.00025%; no homozygotes.

Submissions (3):

Labcorp Genetics (formerly Invitae), Labcorp
Classification: Pathogenic. Last evaluated: 2025-02-09. Review status: criteria provided, single submitter. Criteria: Invitae Variant Classification Sherloc (09022015). Collection method: clinical testing. Allele origin: germline.
Comment: This sequence change creates a premature translational stop signal (p.Gln743*) in the MSH3 gene. It is expected to result in an absent or disrupted protein product. Loss-of-function variants in MSH3 are known to be pathogenic (PMID: 27476653, 37402566). This variant is present in population databases (no rsID available, gnomAD 0.0009%). This variant has not been reported in the literature in individuals affected with MSH3-related conditions. ClinVar contains an entry for this variant (Variation ID: 1408605). For these reasons, this variant has been classified as Pathogenic.

Ambry Genetics
Classification: Pathogenic for Hereditary cancer-predisposing syndrome. Last evaluated: 2024-02-22. Review status: criteria provided, single submitter. Criteria: Ambry Variant Classification Scheme 2023. Collection method: clinical testing. Allele origin: germline.
Comment: The p.Q743* pathogenic mutation (also known as c.2227C>T), located in coding exon 15 of the MSH3 gene, results from a C to T substitution at nucleotide position 2227. This changes the amino acid from a glutamine to a stop codon within coding exon 15. This alteration is expected to result in loss of function by premature protein truncation or nonsense-mediated mRNA decay. As such, this alteration is interpreted as a disease-causing mutation.

Myriad Genetics, Inc.
Classification: Pathogenic for Familial adenomatous polyposis 4. Last evaluated: 2023-08-30. Review status: criteria provided, single submitter. Criteria: Myriad Autosomal Dominant, Autosomal Recessive and X-Linked Classification Criteria (2023). Collection method: clinical testing. Allele origin: unknown.
Comment: This variant is considered pathogenic. This variant creates a termination codon and is predicted to result in premature protein truncation.

Literature cited by the submitters: PubMed 27476653 (cited by Labcorp Genetics (formerly Invitae), Labcorp); PubMed 37402566 (cited by Labcorp Genetics (formerly Invitae), Labcorp).